The following is an entry in ClinVar:

NM_004881.5(TP53I3):c.273C>T (p.Pro91=)

Genes: FAM228B (family with sequence similarity 228 member B; plus strand), TP53I3 (tumor protein p53 inducible protein 3; minus strand). Cytogenetic location: 2p23.3.
Variant type: single nucleotide variant.
Coding change: c.273C>T on transcript NM_004881.5 (MANE Select); coding-DNA position 273, C replaced by T.
Protein change: p.Pro91=; no amino-acid change (proline 91 retained).
Molecular consequence: synonymous variant. On other transcripts: intron variant (1).
Genome position (GRCh38, 1-based): chr2:24,083,018, G>A on the plus strand (C>T on the coding strand, the complement: TP53I3 is on the minus strand). VCF-style: chr2-24083018-G-A. GRCh37 (hg19) VCF-style: chr2-24305888-G-A.
Other names: c.273C>T, p.Pro91= (NM_001206802.2, NM_147184.4); c.-210+2063G>A (NM_001291328.2).
Identifiers: ClinVar variation 3041780 (VCV003041780.2), dbSNP rs33946528, ClinGen allele CA1549670.

ClinVar aggregate classification (germline): Benign (0 of 4 stars; one submission).

Conditions:
TP53I3-related disorder. Also called: TP53I3-related condition.

Allele frequency attached by ClinVar (database versions not stated): TOPMed 0.00836; gnomAD exomes 0.00148; ExAC 0.00406; 1000 Genomes Project 30x 0.00906; gnomAD 0.00767; 1000 Genomes Project 0.00859; ESP Exome Variant Server 0.01030.
gnomAD v4.1: 3,332 of 1,614,122 alleles (0.21%); highest among the groups gnomAD compares: African/African-American, 2.6%; 43 homozygotes.

Submission:

PreventionGenetics, part of Exact Sciences
Classification: Benign for TP53I3-related condition. Last evaluated: 2019-11-25. Review status: no assertion criteria provided. Collection method: clinical testing. Allele origin: germline.
Comment: This variant is classified as benign based on ACMG/AMP sequence variant interpretation guidelines (Richards et al. 2015 PMID: 25741868, with internal and published modifications).